The following is an entry in ClinVar:

ClinVar aggregate classification (germline): Uncertain significance (1 of 4 stars; one submission).

Allele frequency attached by ClinVar (database versions not stated): ExAC 0.00001; TOPMed 0.00001; ESP Exome Variant Server 0.00008.

Submission:

Labcorp Genetics (formerly Invitae), Labcorp
Classification: Uncertain significance. Last evaluated: 2023-12-31. Review status: criteria provided, single submitter. Criteria: Invitae Variant Classification Sherloc (09022015). Collection method: clinical testing. Allele origin: germline.
Comment: This sequence change replaces lysine, which is basic and polar, with asparagine, which is neutral and polar, at codon 348 of the NLRP1 protein (p.Lys348Asn). This variant is not present in population databases (gnomAD no frequency). This variant has not been reported in the literature in individuals affected with NLRP1-related conditions. An algorithm developed to predict the effect of missense changes on protein structure and function (PolyPhen-2) suggests that this variant is likely to be disruptive. In summary, the available evidence is currently insufficient to determine the role of this variant in disease. Therefore, it has been classified as a Variant of Uncertain Significance.

NM_033004.4(NLRP1):c.1044G>C (p.Lys348Asn)

Gene: NLRP1 (NLR family pyrin domain containing 1; minus strand). Cytogenetic location: 17p13.2.
Variant type: single nucleotide variant.
Coding change: c.1044G>C on transcript NM_033004.4 (MANE Select); coding-DNA position 1044, G replaced by C.
Protein change: p.Lys348Asn; replaces lysine 348 with asparagine.
Molecular consequence: missense variant.
Genome position (GRCh38, 1-based): chr17:5,559,652, C>G on the plus strand (G>C on the coding strand, the complement: NLRP1 is on the minus strand). VCF-style: chr17-5559652-C-G. GRCh37 (hg19) VCF-style: chr17-5462972-C-G.
Other names: c.1044G>C, p.Lys348Asn (NM_001033053.3, NM_014922.5, NM_033006.4 and 1 more transcripts); short protein forms K348N.
Identifiers: ClinVar variation 2706755 (VCV002706755.3), dbSNP rs148348032, ClinGen allele CA8327442.